The following is an entry in ClinVar:

NM_001374828.1(ARID1B):c.3963T>C (p.Thr1321=)

Gene: ARID1B (AT-rich interaction domain 1B; plus strand). Cytogenetic location: 6q25.3.
Variant type: single nucleotide variant.
Coding change: c.3963T>C on transcript NM_001374828.1 (MANE Select); coding-DNA position 3963, T replaced by C.
Protein change: p.Thr1321=; no amino-acid change (threonine 1321 retained).
Molecular consequence: synonymous variant.
Genome position (GRCh38, 1-based): chr6:157,189,685, T>C. VCF-style: chr6-157189685-T-C. GRCh37 (hg19) VCF-style: chr6-157510819-T-C.
Other names: c.1464T>C, p.Thr488= (NM_001363725.2); c.3843T>C, p.Thr1281= (NM_001371656.1, NM_001374820.1); c.3804T>C, p.Thr1268= (NM_017519.3).
Identifiers: ClinVar variation 1535349 (VCV001535349.23), dbSNP rs372186962, ClinGen allele CA4067485.

ClinVar aggregate classification (germline): Benign/Likely benign. Review status: criteria provided, multiple submitters, no conflicts (2 of 4 stars). 3 submissions from 3 submitters: Benign (1); Likely benign (2). Last evaluated 2026-01-16.

Allele frequency attached by ClinVar (database versions not stated): gnomAD exomes 0.00006 and 0.00016; TOPMed 0.00006; gnomAD 0.00007; ESP Exome Variant Server 0.00008; ExAC 0.00010.
gnomAD v4.1: 106 of 1,613,820 alleles (0.0066%); highest among the groups gnomAD compares: Middle Eastern, 0.016%; 1 homozygote.

Submissions (3):

Labcorp Genetics (formerly Invitae), Labcorp
Classification: Benign. Last evaluated: 2026-01-16. Review status: criteria provided, single submitter. Criteria: Invitae Variant Classification Sherloc (09022015). Collection method: clinical testing. Allele origin: germline.

CeGaT Center for Human Genetics Tuebingen
Classification: Likely benign. Last evaluated: 2025-04-01. Review status: criteria provided, single submitter. Criteria: CeGaT Center For Human Genetics Tuebingen Variant Classification Criteria Version 2. Collection method: clinical testing. Allele origin: germline. Affected: yes. Observed: 3 variant alleles.
Comment: ARID1B: BP4, BP7

Blueprint Genetics
Classification: Likely benign. Last evaluated: 2024-09-23. Review status: criteria provided, single submitter. Criteria: ACMG Guidelines, 2015. Collection method: clinical testing. Allele origin: germline.